The following is an entry in ClinVar:

NC_000005.10:g.112707429C>T

Gene: APC (APC regulator of Wnt signaling pathway; plus strand). Cytogenetic location: 5q22.2.
Variant type: single nucleotide variant.
Genome position: GRCh38 VCF-style: chr5-112707429-C-T. GRCh37 (hg19) VCF-style: chr5-112043126-C-T.
Identifiers: ClinVar variation 1045460 (VCV001045460.10), dbSNP rs1343144964, ClinGen allele CA561890093.

ClinVar aggregate classification (germline): Uncertain significance (1 of 4 stars; one submission).

Conditions:
Familial adenomatous polyposis 1 (FAP1). Also called: POLYPOSIS, ADENOMATOUS INTESTINAL; FAMILIAL ADENOMATOUS POLYPOSIS 1, ATTENUATED. Identifiers: MedGen C2713442, MONDO:0021056, OMIM 175100. Disease mechanism: loss of function.

Allele frequency attached by ClinVar (database versions not stated): gnomAD 0.00001.

Submission:

Labcorp Genetics (formerly Invitae), Labcorp
Classification: Uncertain significance for Familial adenomatous polyposis 1. Last evaluated: 2023-12-02. Review status: criteria provided, single submitter. Criteria: Invitae Variant Classification Sherloc (09022015). Collection method: clinical testing. Allele origin: germline.
Comment: This variant occurs in a non-coding region of the APC gene. It does not change the encoded amino acid sequence of the APC protein. This variant is present in population databases (no rsID available, gnomAD 0.1%). This variant has not been reported in the literature in individuals affected with APC-related conditions. Experimental studies and prediction algorithms are not available or were not evaluated, and the functional significance of this variant is currently unknown. In summary, the available evidence is currently insufficient to determine the role of this variant in disease. Therefore, it has been classified as a Variant of Uncertain Significance.